The following is an entry in ClinVar:

NM_001197104.2(KMT2A):c.4819+2T>G

Gene: KMT2A (lysine methyltransferase 2A; plus strand). Cytogenetic location: 11q23.3.
Variant type: single nucleotide variant.
Coding change: c.4819+2T>G on transcript NM_001197104.2 (MANE Select); the canonical splice donor site of the intron after coding-DNA position 4819, T replaced by G.
Molecular consequence: splice donor variant. On other transcripts: intron variant (2).
Genome position (GRCh38, 1-based): chr11:118,491,320, T>G. VCF-style: chr11-118491320-T-G. GRCh37 (hg19) VCF-style: chr11-118362035-T-G.
Other names: c.4909+11T>G (NM_001412597.1); c.4810+11T>G (NM_005933.4).
Identifiers: ClinVar variation 4530579 (VCV004530579.1).

ClinVar aggregate classification (germline): Pathogenic (1 of 4 stars; one submission).

Conditions:
Wiedemann-Steiner syndrome (WDSTS). Also called: Growth deficiency and mental retardation with facial dysmorphism. Identifiers: Orphanet 319182, MedGen C1854630, MONDO:0011518, OMIM 605130.

Submission:

Institute of Human Genetics, University of Leipzig Medical Center
Classification: Pathogenic for Wiedemann-Steiner syndrome. Last evaluated: 2025-10-15. Review status: criteria provided, single submitter. Criteria: ACMG Guidelines, 2015. Collection method: clinical testing. Allele origin: unknown. Inheritance: Autosomal dominant inheritance. Affected: yes.
Comment: Criteria applied: PVS1,PM2